The following is an entry in ClinVar:

ClinVar aggregate classification (germline): Uncertain significance (1 of 4 stars; one submission).

gnomAD v4.1: 1 of 1,613,798 alleles (0.000062%); highest among the groups gnomAD compares: Non-Finnish European, 0.000085%; no homozygotes.

Submission:

GeneDx
Classification: Uncertain significance. Last evaluated: 2022-04-26. Review status: criteria provided, single submitter. Criteria: GeneDx Variant Classification Process June 2021. Collection method: clinical testing. Allele origin: germline. Affected: yes.
Comment: Not observed at significant frequency in large population cohorts (gnomAD); In silico analysis supports that this missense variant has a deleterious effect on protein structure/function; Has not been previously published as pathogenic or benign to our knowledge

NM_002941.4(ROBO1):c.1895T>C (p.Phe632Ser)

Gene: ROBO1 (roundabout guidance receptor 1; minus strand). Cytogenetic location: 3p12.3.
Variant type: single nucleotide variant.
Coding change: c.1895T>C on transcript NM_002941.4 (MANE Select); coding-DNA position 1895, T replaced by C.
Protein change: p.Phe632Ser; replaces phenylalanine 632 with serine.
Molecular consequence: missense variant.
Genome position (GRCh38, 1-based): chr3:78,667,954, A>G on the plus strand (T>C on the coding strand, the complement: ROBO1 is on the minus strand). VCF-style: chr3-78667954-A-G. GRCh37 (hg19) VCF-style: chr3-78717104-A-G.
Other names: c.1787T>C, p.Phe596Ser (NM_001145844.1, NM_001145845.2, NM_133631.4); short protein forms F596S, F632S.
Identifiers: ClinVar variation 1722785 (VCV001722785.2), dbSNP rs1303580481, ClinGen allele CA353668289.